The following is an entry in ClinVar:

ClinVar aggregate classification (germline): Conflicting classifications of pathogenicity. Review status: criteria provided, conflicting classifications (1 of 4 stars). 4 submissions from 4 submitters: Uncertain significance (2); Likely benign (2). Last evaluated 2025-04-23.

Conditions:
Hereditary cancer-predisposing syndrome. Also called: Neoplastic Syndromes, Hereditary; Tumor predisposition; Hereditary neoplastic syndrome; Hereditary Cancer Syndrome. Identifiers: Orphanet 140162, MedGen C0027672, MeSH D009386, MONDO:0015356.

Allele frequency attached by ClinVar (database versions not stated): gnomAD 0.00001 and 0.00003; TOPMed 0.00001; ExAC 0.00003; 1000 Genomes Project 30x 0.00031; 1000 Genomes Project 0.00040.
gnomAD v4.1: 15 of 1,613,694 alleles (0.00093%); highest among the groups gnomAD compares: East Asian, 0.033%; no homozygotes.

Submissions (4):

Labcorp Genetics (formerly Invitae), Labcorp
Classification: Uncertain significance. Last evaluated: 2025-04-23. Review status: criteria provided, single submitter. Criteria: Invitae Variant Classification Sherloc (09022015). Collection method: clinical testing. Allele origin: germline.
Comment: This sequence change replaces tyrosine, which is neutral and polar, with serine, which is neutral and polar, at codon 119 of the XRCC2 protein (p.Tyr119Ser). This variant is present in population databases (rs540634835, gnomAD 0.08%), and has an allele count higher than expected for a pathogenic variant. This variant has not been reported in the literature in individuals affected with XRCC2-related conditions. ClinVar contains an entry for this variant (Variation ID: 823941). Invitae Evidence Modeling of protein sequence and biophysical properties (such as structural, functional, and spatial information, amino acid conservation, physicochemical variation, residue mobility, and thermodynamic stability) indicates that this missense variant is not expected to disrupt XRCC2 protein function with a negative predictive value of 80%. In summary, the available evidence is currently insufficient to determine the role of this variant in disease. Therefore, it has been classified as a Variant of Uncertain Significance.

Quest Diagnostics Nichols Institute San Juan Capistrano
Classification: Likely benign. Last evaluated: 2025-03-12. Review status: criteria provided, single submitter. Criteria: Quest Diagnostics criteria. Collection method: clinical testing. Allele origin: unknown.

Sema4
Classification: Uncertain significance for Hereditary cancer-predisposing syndrome. Last evaluated: 2021-05-18. Review status: criteria provided, single submitter. Criteria: Sema4 Curation Guidelines. Collection method: curation. Allele origin: germline.
Comment: The XRCC2 c.356A>C (p.Y119S) variant has been reported in heterozygosity in at least ten individuals with breast cancer (PMID: 33471991). This variant was observed in 13/18336 chromosomes in the East Asian population, with no homozygotes, according to the Genome Aggregation Database (PMID: 32461654). This variant has been reported in ClinVar (Variation ID: 823941). In silico tools suggest the impact of the variant on protein function is benign, though these predictions have not been confirmed by functional studies. The evidence is insufficient to meet ACMG/AMP criteria for classifying the variant as benign or pathogenic. Thus, the clinical significance of this variant is currently uncertain.

Ambry Genetics
Classification: Likely benign for Hereditary cancer-predisposing syndrome. Last evaluated: 2019-02-07. Review status: criteria provided, single submitter. Criteria: Ambry Variant Classification Scheme 2023. Collection method: clinical testing. Allele origin: germline.

Literature cited by the submitters: PubMed 33471991 (cited by Quest Diagnostics Nichols Institute San Juan Capistrano and Sema4).

NM_005431.2(XRCC2):c.356A>C (p.Tyr119Ser)

Gene: XRCC2 (X-ray repair cross complementing 2; minus strand). Cytogenetic location: 7q36.1.
Variant type: single nucleotide variant.
Coding change: c.356A>C on transcript NM_005431.2 (MANE Select); coding-DNA position 356, A replaced by C.
Protein change: p.Tyr119Ser; replaces tyrosine 119 with serine.
Molecular consequence: missense variant.
Genome position (GRCh38, 1-based): chr7:152,649,129, T>G on the plus strand (A>C on the coding strand, the complement: XRCC2 is on the minus strand). VCF-style: chr7-152649129-T-G. GRCh37 (hg19) VCF-style: chr7-152346214-T-G.
Other names: short protein forms Y119S.
Identifiers: ClinVar variation 823941 (VCV000823941.14), dbSNP rs540634835, ClinGen allele CA4582354.